The following is an entry in ClinVar:

ClinVar aggregate classification (germline): Uncertain significance (1 of 4 stars; one submission).

Conditions:
Deficiency of aromatic-L-amino-acid decarboxylase. Also called: Aromatic amino acid decarboxylase deficiency; Aromatic L-Amino Acid Decarboxylase Deficiency; DDC DEFICIENCY; DOPA DECARBOXYLASE DEFICIENCY; AADC DEFICIENCY. Identifiers: Orphanet 35708, MedGen C1291564, MONDO:0012084, OMIM 608643.

gnomAD v4.1: 10 of 1,613,858 alleles (0.00062%); highest among the groups gnomAD compares: Admixed American, 0.005%; no homozygotes.

Submission:

Labcorp Genetics (formerly Invitae), Labcorp
Classification: Uncertain significance for Deficiency of aromatic-L-amino-acid decarboxylase. Last evaluated: 2022-10-17. Review status: criteria provided, single submitter. Criteria: Invitae Variant Classification Sherloc (09022015). Collection method: clinical testing. Allele origin: germline.
Comment: This sequence change replaces alanine, which is neutral and non-polar, with threonine, which is neutral and polar, at codon 78 of the DDC protein (p.Ala78Thr). This variant is present in population databases (no rsID available, gnomAD 0.006%). This variant has not been reported in the literature in individuals affected with DDC-related conditions. ClinVar contains an entry for this variant (Variation ID: 1467678). Advanced modeling of protein sequence and biophysical properties (such as structural, functional, and spatial information, amino acid conservation, physicochemical variation, residue mobility, and thermodynamic stability) performed at Invitae indicates that this missense variant is expected to disrupt DDC protein function. In summary, the available evidence is currently insufficient to determine the role of this variant in disease. Therefore, it has been classified as a Variant of Uncertain Significance.

NM_001082971.2(DDC):c.232G>A (p.Ala78Thr)

Genes: DDC (dopa decarboxylase; minus strand), DDC-AS1 (DDC antisense RNA 1; plus strand). Cytogenetic location: 7p12.1.
Variant type: single nucleotide variant.
Coding change: c.232G>A on transcript NM_001082971.2 (MANE Select); coding-DNA position 232, G replaced by A.
Protein change: p.Ala78Thr; replaces alanine 78 with threonine.
Molecular consequence: missense variant. On other transcripts: non-coding transcript variant (1), intron variant (2).
Genome position (GRCh38, 1-based): chr7:50,539,998, C>T on the plus strand (G>A on the coding strand, the complement: DDC is on the minus strand). VCF-style: chr7-50539998-C-T. GRCh37 (hg19) VCF-style: chr7-50607696-C-T.
Other names: c.232G>A, p.Ala78Thr (NM_000790.4, NM_001242887.2, NM_001242889.2 and 1 more transcripts); c.201+3887G>A (NM_001242888.2); c.202-2019G>A (NM_001242886.2); short protein forms A78T.
Identifiers: ClinVar variation 1467678 (VCV001467678.3), dbSNP rs140276979, ClinGen allele CA158234093.